The following is an entry in ClinVar:

ClinVar aggregate classification (germline): Pathogenic. Review status: criteria provided, multiple submitters, no conflicts (2 of 4 stars). 3 submissions from 3 submitters: Pathogenic (3). Last evaluated 2024-06-14.

Conditions:
Renal cysts and diabetes syndrome (RCAD). Also called: Familial hypoplastic, glomerulocystic kidney; MATURITY-ONSET DIABETES OF THE YOUNG, TYPE 5. Identifiers: Orphanet 93111, MedGen C0431693, MONDO:0007669, OMIM 137920.

Submissions (3):

Labcorp Genetics (formerly Invitae), Labcorp
Classification: Pathogenic. Last evaluated: 2024-06-14. Review status: criteria provided, single submitter. Criteria: Invitae Variant Classification Sherloc (09022015). Collection method: clinical testing. Allele origin: germline.
Comment: This sequence change creates a premature translational stop signal (p.Ser213Thrfs*10) in the HNF1B gene. It is expected to result in an absent or disrupted protein product. Loss-of-function variants in HNF1B are known to be pathogenic (PMID: 9398836, 12148114, 15068978, 20378641). This variant is not present in population databases (gnomAD no frequency). This variant has not been reported in the literature in individuals affected with HNF1B-related conditions. ClinVar contains an entry for this variant (Variation ID: 586802). For these reasons, this variant has been classified as Pathogenic.

Institute of Human Genetics, FAU Erlangen, Friedrich-Alexander-Universität Erlangen-Nürnberg
Classification: Pathogenic for Renal cysts and diabetes syndrome. Last evaluated: 2019-07-06. Review status: criteria provided, single submitter. Criteria: ACMG Guidelines, 2015. Collection method: literature only. Allele origin: germline. Affected: yes.
Comment: This variant and it's classification has been reported by Vasileiou et al. 2019; DOI:10.1101/576918. The variants has previously been reported in ClinVar:586802 as "NM_000458.3(HNF1B):c.632_635dup (p.Ser213Thrfs)" with clinical significance Pathogenic. It has been re-classified using InterVar and manual curation as Pathogenic based on PVS1 PM2 PP3.

Athena Diagnostics
Classification: Pathogenic. Last evaluated: 2017-09-11. Review status: criteria provided, single submitter. Criteria: Athena Diagnostics Criteria. Collection method: clinical testing. Allele origin: germline.

Literature cited by the submitters: PubMed 9398836 (cited by Labcorp Genetics (formerly Invitae), Labcorp); PubMed 12148114 (cited by Labcorp Genetics (formerly Invitae), Labcorp); PubMed 15068978 (cited by Labcorp Genetics (formerly Invitae), Labcorp); PubMed 20378641 (cited by Labcorp Genetics (formerly Invitae), Labcorp); DOI 10.1101/576918 (cited by Institute of Human Genetics, FAU Erlangen, Friedrich-Alexander-Universität Erlangen-Nürnberg).

NM_000458.4(HNF1B):c.632_635dup (p.Ser213fs)

Genes: HNF1B (HNF1 homeobox B; minus strand), LOC126862549 (BRD4-independent group 4 enhancer GRCh37_chr17:36093401-36094600; plus strand). Cytogenetic location: 17q12.
Variant type: Duplication.
Coding change: c.632_635dup on transcript NM_000458.4 (MANE Select); coding-DNA positions 632 to 635, 4 bases duplicated (AACA; older notation c.632_635dupAACA).
Protein change: p.Ser213fs; shifts the reading frame from serine 213.
Molecular consequence: frameshift variant.
Genome position (GRCh38, 1-based): chr17:37,733,731-37,733,734, TGTT duplicated on the plus strand (AACA on the coding strand, the reverse complement: HNF1B is on the minus strand). VCF-style (leftmost placement, unchanged base first): chr17-37733730-C-CTGTT. GRCh37 (hg19) VCF-style: chr17-36093723-C-CTGTT.
Other names: c.554_557dup, p.Ser187fs (NM_001165923.4, NM_001304286.2); short protein forms S187fs, S213fs.
Identifiers: ClinVar variation 586802 (VCV000586802.4), dbSNP rs1568665905, ClinGen allele CA891843655.